The following is an entry in ClinVar:

ClinVar aggregate classification (germline): Conflicting classifications of pathogenicity. Review status: criteria provided, conflicting classifications (1 of 4 stars). 3 submissions from 3 submitters: Uncertain significance (2); Likely benign (1). Last evaluated 2025-11-17.

Conditions:
DiGeorge syndrome. Also called: Catch22; THIRD AND FOURTH PHARYNGEAL POUCH SYNDROME. Identifiers: Orphanet 567, MedGen C0012236, MONDO:0008564, OMIM 188400.

Allele frequency attached by ClinVar (database versions not stated): TOPMed below 0.00001; ExAC 0.00001; gnomAD 0.00001; gnomAD exomes 0.00001.
gnomAD v4.1: 11 of 1,567,166 alleles (0.0007%); highest among the groups gnomAD compares: South Asian, 0.0045%; no homozygotes.

Submissions (3):

Labcorp Genetics (formerly Invitae), Labcorp
Classification: Uncertain significance for DiGeorge syndrome. Last evaluated: 2025-11-17. Review status: criteria provided, single submitter. Criteria: Invitae Variant Classification Sherloc (09022015). Collection method: clinical testing. Allele origin: germline.
Comment: This sequence change replaces glycine, which is neutral and non-polar, with aspartic acid, which is acidic and polar, at codon 127 of the TBX1 protein (p.Gly127Asp). The frequency data for this variant in the population databases is considered unreliable, as metrics indicate poor data quality at this position in the gnomAD database. This variant has not been reported in the literature in individuals affected with TBX1-related conditions. ClinVar contains an entry for this variant (Variation ID: 453135). Invitae Evidence Modeling of protein sequence and biophysical properties (such as structural, functional, and spatial information, amino acid conservation, physicochemical variation, residue mobility, and thermodynamic stability) has been performed for this missense variant. However, the output from this modeling did not meet the statistical confidence thresholds required to predict the impact of this variant on TBX1 protein function. In summary, the available evidence is currently insufficient to determine the role of this variant in disease. Therefore, it has been classified as a Variant of Uncertain Significance.

CeGaT Center for Human Genetics Tuebingen
Classification: Likely benign. Last evaluated: 2022-03-01. Review status: criteria provided, single submitter. Criteria: CeGaT Center For Human Genetics Tuebingen Variant Classification Criteria Version 2. Collection method: clinical testing. Allele origin: germline. Affected: yes. Observed: 1 variant allele.
Comment: TBX1: PP3, BP5, BS2

GeneDx
Classification: Uncertain significance. Last evaluated: 2021-11-09. Review status: criteria provided, single submitter. Criteria: GeneDx Variant Classification Process June 2021. Collection method: clinical testing. Allele origin: germline. Affected: yes.
Comment: In silico analysis, which includes protein predictors and evolutionary conservation, supports a deleterious effect; Has not been previously published as pathogenic or benign to our knowledge

NM_001379200.1(TBX1):c.407G>A (p.Gly136Asp)

Gene: TBX1 (T-box transcription factor 1; plus strand). Cytogenetic location: 22q11.21.
Variant type: single nucleotide variant.
Coding change: c.407G>A on transcript NM_001379200.1 (MANE Select); coding-DNA position 407, G replaced by A.
Protein change: p.Gly136Asp; replaces glycine 136 with aspartic acid.
Molecular consequence: missense variant.
Genome position (GRCh38, 1-based): chr22:19,761,250, G>A. VCF-style: chr22-19761250-G-A. GRCh37 (hg19) VCF-style: chr22-19748773-G-A.
Other names: c.380G>A, p.Gly127Asp (NM_005992.1, NM_080646.2, NM_080647.1); short protein forms G127D, G136D.
Identifiers: ClinVar variation 453135 (VCV000453135.33), dbSNP rs761127806, ClinGen allele CA10102412.